The following is an entry in ClinVar:

ClinVar aggregate classification (germline): Uncertain significance (1 of 4 stars; one submission).

Submission:

Ambry Genetics
Classification: Uncertain significance. Last evaluated: 2026-07-04. Review status: criteria provided, single submitter. Criteria: Ambry Variant Classification Scheme 2023. Collection method: clinical testing. Allele origin: germline.
Comment: The p.P1004T variant (also known as c.3010C>A), located in coding exon 11 of the WNK2 gene, results from a C to A substitution at nucleotide position 3010. The proline at codon 1004 is replaced by threonine, an amino acid with highly similar properties. This amino acid position is conserved. In addition, this alteration is predicted to be tolerated by in silico analysis. Based on the available evidence, the clinical significance of this variant remains unclear.

NM_006648.4(WNK2):c.3010C>A (p.Pro1004Thr)

Gene: WNK2 (WNK lysine deficient protein kinase 2; plus strand). Cytogenetic location: 9q22.31.
Variant type: single nucleotide variant.
Coding change: c.3010C>A on transcript NM_006648.4 (MANE Select); coding-DNA position 3010, C replaced by A.
Protein change: p.Pro1004Thr; replaces proline 1004 with threonine.
Molecular consequence: missense variant.
Genome position (GRCh38, 1-based): chr9:93,259,558, C>A. VCF-style: chr9-93259558-C-A. GRCh37 (hg19) VCF-style: chr9-96021840-C-A.
Other names: c.3010C>A, p.Pro1004Thr (NM_001282394.3); short protein forms P1004T.
Identifiers: ClinVar variation 5031821 (VCV005031821.1).